The following is an entry in ClinVar:

NM_001042432.2(CLN3):c.207G>A (p.Ser69=)

Gene: CLN3 (CLN3 lysosomal/endosomal transmembrane protein, battenin; minus strand). Cytogenetic location: 16p12.1.
Variant type: single nucleotide variant.
Coding change: c.207G>A on transcript NM_001042432.2 (MANE Select); coding-DNA position 207, G replaced by A.
Protein change: p.Ser69=; no amino-acid change (serine 69 retained).
Molecular consequence: synonymous variant. On other transcripts: 5 prime UTR variant (1).
Genome position (GRCh38, 1-based): chr16:28,489,305, C>T on the plus strand (G>A on the coding strand, the complement: CLN3 is on the minus strand). VCF-style: chr16-28489305-C-T. GRCh37 (hg19) VCF-style: chr16-28500626-C-T.
Other names: c.207G>A, p.Ser69= (NM_000086.2, NM_001286104.2); c.-14G>A (NM_001286105.2); c.45G>A, p.Ser15= (NM_001286109.2, NM_001286110.2).
Identifiers: ClinVar variation 386233 (VCV000386233.12), dbSNP rs551476103, ClinGen allele CA7981029.

ClinVar aggregate classification (germline): Likely benign. Review status: criteria provided, multiple submitters, no conflicts (2 of 4 stars). 2 submissions from 2 submitters: Likely benign (2). Last evaluated 2025-09-07.

Conditions:
Neuronal ceroid lipofuscinosis. Also called: Neuronal Ceroid Lipofuscinoses. Identifiers: Orphanet 216, Orphanet 79263, MedGen C0027877, MONDO:0016295. Disease mechanism: loss of function.

Allele frequency attached by ClinVar (database versions not stated): gnomAD 0.00001; gnomAD exomes 0.00002 and 0.00004; TOPMed 0.00002; ExAC 0.00005; 1000 Genomes Project 30x 0.00016; 1000 Genomes Project 0.00020.
gnomAD v4.1: 26 of 1,612,804 alleles (0.0016%); highest among the groups gnomAD compares: East Asian, 0.013%; no homozygotes.

Submissions (2):

Labcorp Genetics (formerly Invitae), Labcorp
Classification: Likely benign for Neuronal ceroid lipofuscinosis. Last evaluated: 2025-09-07. Review status: criteria provided, single submitter. Criteria: Invitae Variant Classification Sherloc (09022015). Collection method: clinical testing. Allele origin: germline.

GeneDx
Classification: Likely benign. Last evaluated: 2016-05-19. Review status: criteria provided, single submitter. Criteria: GeneDx Variant Classification (06012015). Collection method: clinical testing. Allele origin: germline. Affected: yes.
Comment: This variant is considered likely benign or benign based on one or more of the following criteria: it is a conservative change, it occurs at a poorly conserved position in the protein, it is predicted to be benign by multiple in silico algorithms, and/or has population frequency not consistent with disease.